The following is an entry in ClinVar:

NM_015662.3(IFT172):c.679C>T (p.His227Tyr)

Gene: IFT172 (intraflagellar transport 172; minus strand). Cytogenetic location: 2p23.3.
Variant type: single nucleotide variant.
Coding change: c.679C>T on transcript NM_015662.3 (MANE Select); coding-DNA position 679, C replaced by T.
Protein change: p.His227Tyr; replaces histidine 227 with tyrosine.
Molecular consequence: missense variant.
Genome position (GRCh38, 1-based): chr2:27,481,152, G>A on the plus strand (C>T on the coding strand, the complement: IFT172 is on the minus strand). VCF-style: chr2-27481152-G-A. GRCh37 (hg19) VCF-style: chr2-27704019-G-A.
Other names: short protein forms H227Y.
Identifiers: ClinVar variation 942511 (VCV000942511.10), dbSNP rs142857050, ClinGen allele CA1580895.
Genomic context (GRCh38, chr2:27,481,152, plus strand): 5'-CAGCTGTGGTGAACTCCCGCTCCTGAGGGTCACGGCTATAATCAAAAGTTTGTAGCATGT[G>A]ACCTTCTTTTCCATAGGCTACAATTTTCCGATCACAGCCTGCAGCCACGATGCTATTGGT-3'
Protein context (NP_056477.1, residues 217-237): RKIVAYGKEG[His227Tyr]MLQTFDYSRD

ClinVar aggregate classification (germline): Uncertain significance. Review status: criteria provided, multiple submitters, no conflicts (2 of 4 stars). 4 submissions from 4 submitters: Uncertain significance (3). 1 of the submissions does not count toward it. Last evaluated 2025-05-20.

Conditions:
IFT172-related disorder. Also called: IFT172-related disorders; IFT172-related condition.
Short-rib thoracic dysplasia 10 with or without polydactyly (SRTD10). Identifiers: Orphanet 474, MedGen C3810175, MONDO:0014284, OMIM 615630.
Retinitis pigmentosa 71 (RP71). Identifiers: Orphanet 791, MedGen C4225342, MONDO:0014618, OMIM 616394.

Allele frequency attached by ClinVar (database versions not stated): ExAC 0.00007; gnomAD 0.00009 and 0.00010; gnomAD exomes 0.00009 and 0.00013; TOPMed 0.00011; ESP Exome Variant Server 0.00023.

Submissions (4):

GeneDx
Classification: Uncertain significance. Last evaluated: 2025-05-20. Review status: criteria provided, single submitter. Criteria: GeneDx Variant Classification Process June 2021. Collection method: clinical testing. Allele origin: germline. Affected: yes.
Comment: In silico analysis suggests that this missense variant does not alter protein structure/function; Has not been previously published as pathogenic or benign to our knowledge

Labcorp Genetics (formerly Invitae), Labcorp
Classification: Uncertain significance for Retinitis pigmentosa 71; Short-rib thoracic dysplasia 10 with or without polydactyly. Last evaluated: 2025-04-27. Review status: criteria provided, single submitter. Criteria: Invitae Variant Classification Sherloc (09022015). Collection method: clinical testing. Allele origin: germline.
Comment: This sequence change replaces histidine, which is basic and polar, with tyrosine, which is neutral and polar, at codon 227 of the IFT172 protein (p.His227Tyr). This variant is present in population databases (rs142857050, gnomAD 0.02%). This variant has not been reported in the literature in individuals affected with IFT172-related conditions. ClinVar contains an entry for this variant (Variation ID: 942511). Invitae Evidence Modeling of protein sequence and biophysical properties (such as structural, functional, and spatial information, amino acid conservation, physicochemical variation, residue mobility, and thermodynamic stability) indicates that this missense variant is not expected to disrupt IFT172 protein function with a negative predictive value of 95%. In summary, the available evidence is currently insufficient to determine the role of this variant in disease. Therefore, it has been classified as a Variant of Uncertain Significance.

Blueprint Genetics
Classification: Uncertain significance. Last evaluated: 2024-06-04. Review status: criteria provided, single submitter. Criteria: ACMG Guidelines, 2015. Collection method: clinical testing. Allele origin: germline.

PreventionGenetics, part of Exact Sciences
Classification: Uncertain significance for IFT172-related condition. Last evaluated: 2024-04-12. Review status: no assertion criteria provided. Collection method: clinical testing. Allele origin: germline. Not counted in ClinVar's aggregate classification.
Comment: The IFT172 c.679C>T variant is predicted to result in the amino acid substitution p.His227Tyr. To our knowledge, this variant has not been reported in the literature. This variant is report in 0.018% of alleles in individuals of European (Non-Finnish) descent in gnomAD. At this time, the clinical significance of this variant is uncertain due to the absence of conclusive functional and genetic evidence.